The following is an entry in ClinVar:

NM_019109.5(ALG1):c.621G>A (p.Trp207Ter)

Gene: ALG1 (ALG1 chitobiosyldiphosphodolichol beta-mannosyltransferase; plus strand). Cytogenetic location: 16p13.3.
Variant type: single nucleotide variant.
Coding change: c.621G>A on transcript NM_019109.5 (MANE Select); coding-DNA position 621, G replaced by A.
Protein change: p.Trp207Ter; replaces tryptophan 207 with a stop codon.
Molecular consequence: nonsense.
Genome position (GRCh38, 1-based): chr16:5,077,526, G>A. VCF-style: chr16-5077526-G-A. GRCh37 (hg19) VCF-style: chr16-5127527-G-A.
Other names: c.288G>A, p.Trp96Ter (NM_001330504.2); short protein forms W96*, W207*.
Identifiers: ClinVar variation 1457013 (VCV001457013.6), dbSNP rs1956935335, ClinGen allele CA394681392.

ClinVar aggregate classification (germline): Pathogenic (1 of 4 stars; one submission).

Conditions:
ALG1-congenital disorder of glycosylation. Also called: ALG1-CDG; CDG Ik; CONGENITAL DISORDER OF GLYCOSYLATION, TYPE Ik. Identifiers: Orphanet 79327, MedGen C2931005, MONDO:0012052, OMIM 608540.

Allele frequency attached by ClinVar (database versions not stated): gnomAD 0.00001.
gnomAD v4.1: 1 of 1,614,048 alleles (0.000062%); highest among the groups gnomAD compares: African/African-American, 0.0013%; no homozygotes.

Submission:

Labcorp Genetics (formerly Invitae), Labcorp
Classification: Pathogenic for ALG1-congenital disorder of glycosylation. Last evaluated: 2025-03-22. Review status: criteria provided, single submitter. Criteria: Invitae Variant Classification Sherloc (09022015). Collection method: clinical testing. Allele origin: germline.
Comment: This sequence change creates a premature translational stop signal (p.Trp207*) in the ALG1 gene. It is expected to result in an absent or disrupted protein product. Loss-of-function variants in ALG1 are known to be pathogenic (PMID: 20679665, 23806237). This variant is not present in population databases (gnomAD no frequency). This variant has not been reported in the literature in individuals affected with ALG1-related conditions. ClinVar contains an entry for this variant (Variation ID: 1457013). For these reasons, this variant has been classified as Pathogenic.

Literature cited by the submitters: PubMed 20679665; PubMed 23806237.